The following is an entry in ClinVar:

ClinVar aggregate classification (germline): Uncertain significance (1 of 4 stars; one submission).

Allele frequency attached by ClinVar (database versions not stated): gnomAD exomes 0.00001.
gnomAD v4.1: 9 of 1,350,754 alleles (0.00067%); highest among the groups gnomAD compares: South Asian, 0.0018%; no homozygotes.

Submission:

GeneDx
Classification: Uncertain significance. Last evaluated: 2023-03-13. Review status: criteria provided, single submitter. Criteria: GeneDx Variant Classification Process June 2021. Collection method: clinical testing. Allele origin: germline. Affected: yes.
Comment: Not observed at significant frequency in large population cohorts (gnomAD); In silico analysis supports that this missense variant does not alter protein structure/function; Has not been previously published as pathogenic or benign to our knowledge

NM_005932.4(MIPEP):c.18G>T (p.Arg6Ser)

Genes: MIPEP (mitochondrial intermediate peptidase; minus strand), PCOTH (prostate and testis expressed opposite C1QTNF9B and MIPEP; plus strand). Cytogenetic location: 13q12.12.
Variant type: single nucleotide variant.
Coding change: c.18G>T on transcript NM_005932.4 (MANE Select); coding-DNA position 18, G replaced by T.
Protein change: p.Arg6Ser; replaces arginine 6 with serine.
Molecular consequence: missense variant.
Genome position (GRCh38, 1-based): chr13:23,889,303, C>A on the plus strand (G>T on the coding strand, the complement: MIPEP is on the minus strand). VCF-style: chr13-23889303-C-A. GRCh37 (hg19) VCF-style: chr13-24463442-C-A.
Other names: short protein forms R6S.
Identifiers: ClinVar variation 2579965 (VCV002579965.1), dbSNP rs2500242404, ClinGen allele CA387533042.
Genomic context (GRCh38, chr13:23,889,303, plus strand): 5'-GCTTCCCCGGCCCGCCCGGCGGGGCGGCAGAGCTGCTGCTCTGGCTCCCAAGCCGCCCAG[C>A]CTTCCGACGCACAGCATTCTAGCACCAGAGCAGTCCCTTCCTCCAACGCAGATCCCTGCC-3'
Protein context (NP_005923.3, residues 1-16): MLCVG[Arg6Ser]LGGLGARAAA